The following is an entry in ClinVar:

ClinVar aggregate classification (germline): Uncertain significance (1 of 4 stars; one submission).

gnomAD v4.1: 142 of 1,613,976 alleles (0.0088%); highest among the groups gnomAD compares: Admixed American, 0.027%; no homozygotes.

Submission:

Labcorp Genetics (formerly Invitae), Labcorp
Classification: Uncertain significance. Last evaluated: 2025-10-09. Review status: criteria provided, single submitter. Criteria: Invitae Variant Classification Sherloc (09022015). Collection method: clinical testing. Allele origin: germline.
Comment: This sequence change replaces arginine, which is basic and polar, with histidine, which is basic and polar, at codon 653 of the KANK4 protein (p.Arg653His). This variant is present in population databases (rs141595340, gnomAD 0.04%). This variant has not been reported in the literature in individuals affected with KANK4-related conditions. ClinVar contains an entry for this variant (Variation ID: 3669824). An algorithm developed to predict the effect of missense changes on protein structure and function (PolyPhen-2) suggests that this variant is likely to be disruptive. In summary, the available evidence is currently insufficient to determine the role of this variant in disease. Therefore, it has been classified as a Variant of Uncertain Significance.

NM_181712.5(KANK4):c.1958G>A (p.Arg653His)

Gene: KANK4 (KN motif and ankyrin repeat domains 4; minus strand). Cytogenetic location: 1p31.3.
Variant type: single nucleotide variant.
Coding change: c.1958G>A on transcript NM_181712.5 (MANE Select); coding-DNA position 1958, G replaced by A.
Protein change: p.Arg653His; replaces arginine 653 with histidine.
Molecular consequence: missense variant.
Genome position (GRCh38, 1-based): chr1:62,271,532, C>T on the plus strand (G>A on the coding strand, the complement: KANK4 is on the minus strand). VCF-style: chr1-62271532-C-T. GRCh37 (hg19) VCF-style: chr1-62737204-C-T.
Other names: c.74G>A, p.Arg25His (NM_001320269.2); short protein forms R653H, R25H.
Identifiers: ClinVar variation 3669824 (VCV003669824.2).
Genomic context (GRCh38, chr1:62,271,532, plus strand): 5'-GCTTACCCACCGTTAACCCCAACAAACTGAAGGTTCTTTTTGGTCCCATTACCTCCTGCA[C>T]GGAAGCCATAGTCTTTCTTTTTCATTATGGATTTAAGGCTGGTCGATGGGGAGATCTCTA-3'
Protein context (NP_859063.3, residues 643-663): SIMKKKDYGF[Arg653His]AGGNGTKKNL